The following is an entry in ClinVar:

ClinVar aggregate classification (germline): Uncertain significance (1 of 4 stars; one submission).

Conditions:
Ornithine aminotransferase deficiency (GACR). Also called: Ornithine ketoacid aminotransferase deficiency; Gyrate atrophy; Gyrate atrophy of choroid and retina; Girate atrophy of the retina; OAT DEFICIENCY; OKT DEFICIENCY. Identifiers: Orphanet 414, MedGen C0018425, MONDO:0009796, OMIM 258870.

Allele frequency attached by ClinVar (database versions not stated): gnomAD exomes below 0.00001.

Submission:

Labcorp Genetics (formerly Invitae), Labcorp
Classification: Uncertain significance for Ornithine aminotransferase deficiency. Last evaluated: 2021-11-30. Review status: criteria provided, single submitter. Criteria: Invitae Variant Classification Sherloc (09022015). Collection method: clinical testing. Allele origin: germline.
Comment: In summary, the available evidence is currently insufficient to determine the role of this variant in disease. Therefore, it has been classified as a Variant of Uncertain Significance. Algorithms developed to predict the effect of missense changes on protein structure and function are either unavailable or do not agree on the potential impact of this missense change (SIFT: "Deleterious"; PolyPhen-2: "Probably Damaging"; Align-GVGD: "Class C0"). ClinVar contains an entry for this variant (Variation ID: 1043955). This variant has not been reported in the literature in individuals affected with OAT-related conditions. This variant is not present in population databases (gnomAD no frequency). This sequence change replaces glutamic acid, which is acidic and polar, with glutamine, which is neutral and polar, at codon 343 of the OAT protein (p.Glu343Gln).

NM_000274.4(OAT):c.1027G>C (p.Glu343Gln)

Gene: OAT (ornithine aminotransferase; minus strand). Cytogenetic location: 10q26.13.
Variant type: single nucleotide variant.
Coding change: c.1027G>C on transcript NM_000274.4 (MANE Select); coding-DNA position 1027, G replaced by C.
Protein change: p.Glu343Gln; replaces glutamic acid 343 with glutamine.
Molecular consequence: missense variant.
Genome position (GRCh38, 1-based): chr10:124,400,972, C>G on the plus strand (G>C on the coding strand, the complement: OAT is on the minus strand). VCF-style: chr10-124400972-C-G. GRCh37 (hg19) VCF-style: chr10-126089541-C-G.
Other names: c.613G>C, p.Glu205Gln (NM_001171814.2); c.1027G>C, p.Glu343Gln (NM_001322965.2, NM_001322966.2, NM_001322967.2 and 3 more transcripts); c.706G>C, p.Glu236Gln (NM_001322971.2); c.427G>C, p.Glu143Gln (NM_001322974.2); short protein forms E205Q, E236Q, E343Q, E143Q.
Identifiers: ClinVar variation 1043955 (VCV001043955.6), dbSNP rs1951391727, ClinGen allele CA378633787.